The following is an entry in ClinVar:

NM_017866.6(TMEM70):c.580G>A (p.Val194Met)

Gene: TMEM70 (transmembrane protein 70; plus strand). Cytogenetic location: 8q21.11.
Variant type: single nucleotide variant.
Coding change: c.580G>A on transcript NM_017866.6 (MANE Select); coding-DNA position 580, G replaced by A.
Protein change: p.Val194Met; replaces valine 194 with methionine.
Molecular consequence: missense variant. On other transcripts: 3 prime UTR variant (1), non-coding transcript variant (1).
Genome position (GRCh38, 1-based): chr8:73,981,418, G>A. VCF-style: chr8-73981418-G-A. GRCh37 (hg19) VCF-style: chr8-74893653-G-A.
Other names: c.*270G>A (NM_001040613.3); short protein forms V194M.
Identifiers: ClinVar variation 218747 (VCV000218747.24), dbSNP rs77410280, ClinGen allele CA249368.

ClinVar aggregate classification (germline): Benign/Likely benign. Review status: criteria provided, multiple submitters, no conflicts (2 of 4 stars). 7 submissions from 7 submitters: Benign (5); Likely benign (1). 1 of the submissions does not count toward it. Last evaluated 2026-02-04.

Conditions:
Mitochondrial complex V (ATP synthase) deficiency, nuclear type 2. Also called: Nuclear-Encoded ATPase Deficiency, TMEM70-Related; ENCEPHALOCARDIOMYOPATHY, MITOCHONDRIAL, NEONATAL, DUE TO ATP SYNTHASE DEFICIENCY; MITOCHONDRIAL COMPLEX V (ATP SYNTHASE) DEFICIENCY, TMEM70 TYPE. Identifiers: Orphanet 1194, MedGen C3279699, MONDO:0013546, OMIM 614052.

Allele frequency attached by ClinVar (database versions not stated): 1000 Genomes Project 30x 0.00718; 1000 Genomes Project 0.00719; TOPMed 0.00949; gnomAD 0.01045 and 0.01058; ESP Exome Variant Server 0.01099; ExAC 0.01216; gnomAD exomes 0.01249.

Submissions (7):

Labcorp Genetics (formerly Invitae), Labcorp
Classification: Benign for Mitochondrial complex V (ATP synthase) deficiency, nuclear type 2. Last evaluated: 2026-02-04. Review status: criteria provided, single submitter. Criteria: Invitae Variant Classification Sherloc (09022015). Collection method: clinical testing. Allele origin: germline.

Blueprint Genetics
Classification: Likely benign. Last evaluated: 2024-11-26. Review status: criteria provided, single submitter. Criteria: ACMG Guidelines, 2015. Collection method: clinical testing. Allele origin: germline.

Illumina Laboratory Services, Illumina
Classification: Benign for Mitochondrial complex V (ATP synthase) deficiency, nuclear type 2. Last evaluated: 2017-04-27. Review status: criteria provided, single submitter. Criteria: ICSL Variant Classification Criteria 13 December 2019. Collection method: clinical testing. Allele origin: germline.
Comment: This variant was observed as part of a predisposition screen in an ostensibly healthy population. A literature search was performed for the gene, cDNA change, and amino acid change (where applicable). No publications were found based on this search. Allele frequency data from public databases was too high to be consistent with this variant causing disease. Therefore, this variant is classified as benign.

Genomic Diagnostic Laboratory, Division of Genomic Diagnostics, Children's Hospital of Philadelphia
Classification: Benign. Last evaluated: 2015-03-06. Review status: criteria provided, single submitter. Criteria: DGD Variant Analysis Guidelines. Collection method: clinical testing. Allele origin: unknown.

GeneDx
Classification: Benign. Last evaluated: 2015-03-03. Review status: criteria provided, single submitter. Criteria: GeneDx Variant Classification Process June 2021. Collection method: clinical testing. Allele origin: germline. Affected: yes.

Breakthrough Genomics
Classification: Benign. Review status: criteria provided, single submitter. Criteria: ACMG Guidelines, 2015. Collection method: not provided. Allele origin: germline. Inheritance: Autosomal recessive inheritance. Affected: yes.

Mayo Clinic Laboratories, Mayo Clinic
Classification: Likely benign. Last evaluated: 2016-02-19. Review status: no assertion criteria provided. Collection method: clinical testing. Allele origin: unknown. Not counted in ClinVar's aggregate classification.